The following is an entry in ClinVar:

NM_001134407.3(GRIN2A):c.1997G>C (p.Ser666Thr)

Gene: GRIN2A (glutamate ionotropic receptor NMDA type subunit 2A; minus strand). Cytogenetic location: 16p13.2.
Variant type: single nucleotide variant.
Coding change: c.1997G>C on transcript NM_001134407.3 (MANE Select); coding-DNA position 1997, G replaced by C.
Protein change: p.Ser666Thr; replaces serine 666 with threonine.
Molecular consequence: missense variant.
Genome position (GRCh38, 1-based): chr16:9,829,433, C>G on the plus strand (G>C on the coding strand, the complement: GRIN2A is on the minus strand). VCF-style: chr16-9829433-C-G. GRCh37 (hg19) VCF-style: chr16-9923290-C-G.
Other names: c.1997G>C, p.Ser666Thr (NM_000833.5, NM_001134408.2); short protein forms S666T.
Identifiers: ClinVar variation 3906800 (VCV003906800.1).

ClinVar aggregate classification (germline): Uncertain significance (1 of 4 stars; one submission).

Submission:

GeneDx
Classification: Uncertain significance. Last evaluated: 2024-12-18. Review status: criteria provided, single submitter. Criteria: GeneDx Variant Classification Process June 2021. Collection method: clinical testing. Allele origin: germline. Affected: yes.
Comment: Not observed at significant frequency in large population cohorts (gnomAD); In silico analysis supports that this missense variant has a deleterious effect on protein structure/function; Has not been previously published as pathogenic or benign to our knowledge; This variant is associated with the following publications: (PMID: 27839871)